The following is an entry in ClinVar:

ClinVar aggregate classification (germline): Benign/Likely benign. Review status: criteria provided, multiple submitters, no conflicts (2 of 4 stars). 6 submissions from 6 submitters: Benign (3); Likely benign (3). Last evaluated 2026-04-01.

Conditions:
Neurodevelopmental disorder with hypotonia, stereotypic hand movements, and impaired language. Also called: Intellectual disability, autosomal dominant 20. Identifiers: Orphanet 228384, Orphanet 664410, MedGen C3150700, MONDO:0013266, OMIM 613443.

Allele frequency attached by ClinVar (database versions not stated): TOPMed 0.00007; gnomAD 0.00008 and 0.00011; gnomAD exomes 0.00012 and 0.00023; ExAC 0.00021; 1000 Genomes Project 0.00080; 1000 Genomes Project 30x 0.00094.
gnomAD v4.1: 188 of 1,613,928 alleles (0.012%); highest among the groups gnomAD compares: East Asian, 0.16%; 2 homozygotes.

Submissions (6):

CeGaT Center for Human Genetics Tuebingen
Classification: Likely benign. Last evaluated: 2026-04-01. Review status: criteria provided, single submitter. Criteria: CeGaT Center For Human Genetics Tuebingen Variant Classification Criteria Version 2. Collection method: clinical testing. Allele origin: germline. Affected: yes. Observed: 8 variant alleles.
Comment: MEF2C: BP4, BP7, BS1

Labcorp Genetics (formerly Invitae), Labcorp
Classification: Benign for Neurodevelopmental disorder with hypotonia, stereotypic hand movements, and impaired language. Last evaluated: 2025-10-01. Review status: criteria provided, single submitter. Criteria: Invitae Variant Classification Sherloc (09022015). Collection method: clinical testing. Allele origin: germline.

Blueprint Genetics
Classification: Likely benign. Last evaluated: 2024-10-23. Review status: criteria provided, single submitter. Criteria: ACMG Guidelines, 2015. Collection method: clinical testing. Allele origin: germline.

Genetic Services Laboratory, University of Chicago
Classification: Benign. Last evaluated: 2019-08-30. Review status: criteria provided, single submitter. Criteria: ACMG Guidelines, 2015. Collection method: clinical testing. Allele origin: germline. Affected: no.

GeneDx
Classification: Benign. Last evaluated: 2019-08-09. Review status: criteria provided, single submitter. Criteria: GeneDx Variant Classification Process June 2021. Collection method: clinical testing. Allele origin: germline. Affected: yes.

Eurofins Ntd Llc (ga)
Classification: Likely benign. Last evaluated: 2016-04-22. Review status: criteria provided, single submitter. Criteria: EGL Classification Definitions 2015. Collection method: clinical testing. Allele origin: germline. Observed: 1 variant allele, 1 heterozygote.

NM_002397.5(MEF2C):c.363C>T (p.Asn121=)

Gene: MEF2C (myocyte enhancer factor 2C; minus strand). Cytogenetic location: 5q14.3.
Variant type: single nucleotide variant.
Coding change: c.363C>T on transcript NM_002397.5 (MANE Select); coding-DNA position 363, C replaced by T.
Protein change: p.Asn121=; no amino-acid change (asparagine 121 retained).
Molecular consequence: synonymous variant. On other transcripts: 5 prime UTR variant (2), intron variant (12).
Genome position (GRCh38, 1-based): chr5:88,761,224, G>A on the plus strand (C>T on the coding strand, the complement: MEF2C is on the minus strand). VCF-style: chr5-88761224-G-A. GRCh37 (hg19) VCF-style: chr5-88057041-G-A.
Other names: p.N121N:AAC>AAT; c.363C>T, p.Asn121= (NM_001193350.2, NM_001308002.3, NM_001363581.2 and 18 more transcripts); c.-16C>T (NM_001364353.2, NM_001364356.2); c.259-9181C>T (NM_001364344.2, NM_001364354.2, NM_001364332.2 and 3 more transcripts); c.259-99C>T (NM_001131005.2, NM_001364352.2, NM_001364343.2); c.318+45C>T (NM_001193347.1, NM_001364338.2); c.-24-9181C>T (NM_001364357.2).
Identifiers: ClinVar variation 197207 (VCV000197207.52), dbSNP rs186648089, ClinGen allele CA245210.